The following is an entry in ClinVar:

NM_006348.5(COG5):c.2415A>T (p.Arg805Ser)

Gene: COG5 (component of oligomeric golgi complex 5; minus strand). Cytogenetic location: 7q22.3.
Variant type: single nucleotide variant.
Coding change: c.2415A>T on transcript NM_006348.5 (MANE Select); coding-DNA position 2415, A replaced by T.
Protein change: p.Arg805Ser; replaces arginine 805 with serine.
Molecular consequence: missense variant.
Genome position (GRCh38, 1-based): chr7:107,203,591, T>A on the plus strand (A>T on the coding strand, the complement: COG5 is on the minus strand). VCF-style: chr7-107203591-T-A. GRCh37 (hg19) VCF-style: chr7-106844036-T-A.
Other names: c.2253A>T, p.Arg751Ser (NM_001379511.1); c.2241A>T, p.Arg747Ser (NM_001379512.1); c.2208A>T, p.Arg736Ser (NM_001379513.1); c.2100A>T, p.Arg700Ser (NM_001379514.1); c.1845A>T, p.Arg615Ser (NM_001379515.1); c.1701A>T, p.Arg567Ser (NM_001379516.1); c.2352A>T, p.Arg784Ser (NM_181733.4); short protein forms R751S, R784S, R736S, R747S, R805S, R567S, R615S, R700S.
Identifiers: ClinVar variation 1975881 (VCV001975881.5), dbSNP rs2535715134, ClinGen allele CA368838100.

ClinVar aggregate classification (germline): Uncertain significance (1 of 4 stars; one submission).

Conditions:
COG5-congenital disorder of glycosylation. Also called: CONGENITAL DISORDER OF GLYCOSYLATION, TYPE IIi; CDG IIi; COG5-CDG. Identifiers: Orphanet 263487, MedGen C3150876, MONDO:0013325, OMIM 613612.

Submission:

Labcorp Genetics (formerly Invitae), Labcorp
Classification: Uncertain significance for COG5-congenital disorder of glycosylation. Last evaluated: 2022-04-24. Review status: criteria provided, single submitter. Criteria: Invitae Variant Classification Sherloc (09022015). Collection method: clinical testing. Allele origin: germline.
Comment: Algorithms developed to predict the effect of missense changes on protein structure and function are either unavailable or do not agree on the potential impact of this missense change (SIFT: "Deleterious"; PolyPhen-2: "Possibly Damaging"; Align-GVGD: "Class C0"). In summary, the available evidence is currently insufficient to determine the role of this variant in disease. Therefore, it has been classified as a Variant of Uncertain Significance. This variant has not been reported in the literature in individuals affected with COG5-related conditions. This sequence change replaces arginine, which is basic and polar, with serine, which is neutral and polar, at codon 836 of the COG5 protein (p.Arg836Ser). This variant is not present in population databases (gnomAD no frequency).